The following is an entry in ClinVar:

ClinVar aggregate classification (germline): Uncertain significance (1 of 4 stars; one submission).

Submission:

Labcorp Genetics (formerly Invitae), Labcorp
Classification: Uncertain significance. Last evaluated: 2023-05-24. Review status: criteria provided, single submitter. Criteria: Invitae Variant Classification Sherloc (09022015). Collection method: clinical testing. Allele origin: germline.
Comment: This sequence change replaces histidine, which is basic and polar, with glutamine, which is neutral and polar, at codon 551 of the BRD4 protein (p.His551Gln). This variant is not present in population databases (gnomAD no frequency). This variant has not been reported in the literature in individuals affected with BRD4-related conditions. Advanced modeling of protein sequence and biophysical properties (such as structural, functional, and spatial information, amino acid conservation, physicochemical variation, residue mobility, and thermodynamic stability) has been performed at Invitae for this missense variant, however the output from this modeling did not meet the statistical confidence thresholds required to predict the impact of this variant on BRD4 protein function. In summary, the available evidence is currently insufficient to determine the role of this variant in disease. Therefore, it has been classified as a Variant of Uncertain Significance.

NM_001379291.1(BRD4):c.1653C>A (p.His551Gln)

Gene: BRD4 (bromodomain containing 4; minus strand). Cytogenetic location: 19p13.12.
Variant type: single nucleotide variant.
Coding change: c.1653C>A on transcript NM_001379291.1 (MANE Select); coding-DNA position 1653, C replaced by A.
Protein change: p.His551Gln; replaces histidine 551 with glutamine.
Molecular consequence: missense variant.
Genome position (GRCh38, 1-based): chr19:15,256,162, G>T on the plus strand (C>A on the coding strand, the complement: BRD4 is on the minus strand). VCF-style: chr19-15256162-G-T. GRCh37 (hg19) VCF-style: chr19-15366973-G-T.
Other names: c.1653C>A, p.His551Gln (NM_001330384.2, NM_001379292.1, NM_014299.3 and 1 more transcripts); short protein forms H551Q.
Identifiers: ClinVar variation 2715353 (VCV002715353.3), dbSNP rs2512559832, ClinGen allele CA404520941.